The following is an entry in ClinVar:

NM_033118.4(MYLK2):c.322G>A (p.Val108Ile)

Gene: MYLK2 (myosin light chain kinase 2; plus strand). Cytogenetic location: 20q11.21.
Variant type: single nucleotide variant.
Coding change: c.322G>A on transcript NM_033118.4 (MANE Select); coding-DNA position 322, G replaced by A.
Protein change: p.Val108Ile; replaces valine 108 with isoleucine.
Molecular consequence: missense variant.
Genome position (GRCh38, 1-based): chr20:31,820,395, G>A. VCF-style: chr20-31820395-G-A. GRCh37 (hg19) VCF-style: chr20-30408198-G-A.
Other names: short protein forms V108I.
Identifiers: ClinVar variation 1354148 (VCV001354148.11), dbSNP rs367707824, ClinGen allele CA9802894.

ClinVar aggregate classification (germline): Uncertain significance. Review status: criteria provided, multiple submitters, no conflicts (2 of 4 stars). 2 submissions from 2 submitters: Uncertain significance (2). Last evaluated 2026-01-11.

Conditions:
Hypertrophic cardiomyopathy 1 (CMH1). Also called: MYH7-Related Familial Hypertrophic Cardiomyopathy; Familial hypertrophic cardiomyopathy 1. Identifiers: MedGen C3495498, MONDO:0008647, OMIM 192600.

Allele frequency attached by ClinVar (database versions not stated): gnomAD 0.00001; gnomAD exomes 0.00001 and 0.00002; ExAC 0.00003; TOPMed 0.00008; ESP Exome Variant Server 0.00015.

Submissions (2):

Labcorp Genetics (formerly Invitae), Labcorp
Classification: Uncertain significance for Hypertrophic cardiomyopathy 1. Last evaluated: 2026-01-11. Review status: criteria provided, single submitter. Criteria: Invitae Variant Classification Sherloc (09022015). Collection method: clinical testing. Allele origin: germline.
Comment: This sequence change replaces valine, which is neutral and non-polar, with isoleucine, which is neutral and non-polar, at codon 108 of the MYLK2 protein (p.Val108Ile). This variant is present in population databases (rs367707824, gnomAD 0.01%). This variant has not been reported in the literature in individuals affected with MYLK2-related conditions. ClinVar contains an entry for this variant (Variation ID: 1354148). Invitae Evidence Modeling of protein sequence and biophysical properties (such as structural, functional, and spatial information, amino acid conservation, physicochemical variation, residue mobility, and thermodynamic stability) indicates that this missense variant is not expected to disrupt MYLK2 protein function with a negative predictive value of 80%. In summary, the available evidence is currently insufficient to determine the role of this variant in disease. Therefore, it has been classified as a Variant of Uncertain Significance.

Ambry Genetics
Classification: Uncertain significance. Last evaluated: 2025-08-23. Review status: criteria provided, single submitter. Criteria: Ambry Variant Classification Scheme 2023. Collection method: clinical testing. Allele origin: germline.